The following is an entry in ClinVar:

NM_013275.6(ANKRD11):c.5315C>T (p.Ser1772Leu)

Gene: ANKRD11 (ankyrin repeat domain 11; minus strand). Cytogenetic location: 16q24.3.
Variant type: single nucleotide variant.
Coding change: c.5315C>T on transcript NM_013275.6 (MANE Select); coding-DNA position 5315, C replaced by T.
Protein change: p.Ser1772Leu; replaces serine 1772 with leucine.
Molecular consequence: missense variant.
Genome position (GRCh38, 1-based): chr16:89,281,227, G>A on the plus strand (C>T on the coding strand, the complement: ANKRD11 is on the minus strand). VCF-style: chr16-89281227-G-A. GRCh37 (hg19) VCF-style: chr16-89347635-G-A.
Other names: c.5315C>T, p.Ser1772Leu (NM_001256182.2, NM_001256183.2); short protein forms S1772L.
Identifiers: ClinVar variation 849681 (VCV000849681.10), dbSNP rs776119333, ClinGen allele CA8241879.
Genomic context (GRCh38, chr16:89,281,227, plus strand): 5'-GAGACCGAGCGGTAAAGGTTTGTGGAGAGAGGCCTGGCAGGAGCCTGGCTGGCGTTTTCC[G>A]AAAGCCCACTTGAAGCCACGGAGAACCTGTCGAAAAAGGAGGGGGAGCAGGCGCTGGTGG-3'
Protein context (NP_037407.4, residues 1762-1782): DRFSVASSGL[Ser1772Leu]ENASQAPARP

ClinVar aggregate classification (germline): Conflicting classifications of pathogenicity. Review status: criteria provided, conflicting classifications (1 of 4 stars). 4 submissions from 4 submitters: Uncertain significance (2); Likely benign (2). Last evaluated 2025-12-16.

Conditions:
Inborn genetic diseases. Identifiers: MedGen C0950123, MeSH D030342.
KBG syndrome (KBGS). Also called: ANKRD11-Related KBG Syndrome. Identifiers: Orphanet 2332, MedGen C0220687, MONDO:0007846, OMIM 148050.

Allele frequency attached by ClinVar (database versions not stated): ExAC 0.00003; gnomAD exomes 0.00004; gnomAD 0.00006 and 0.00007; TOPMed 0.00007.
gnomAD v4.1: 137 of 1,614,216 alleles (0.0085%); highest among the groups gnomAD compares: East Asian, 0.013%; no homozygotes.

Submissions (4):

Labcorp Genetics (formerly Invitae), Labcorp
Classification: Uncertain significance for KBG syndrome. Last evaluated: 2025-12-16. Review status: criteria provided, single submitter. Criteria: Invitae Variant Classification Sherloc (09022015). Collection method: clinical testing. Allele origin: germline.
Comment: This sequence change replaces serine, which is neutral and polar, with leucine, which is neutral and non-polar, at codon 1772 of the ANKRD11 protein (p.Ser1772Leu). This variant is present in population databases (rs776119333, gnomAD 0.02%). This variant has not been reported in the literature in individuals affected with ANKRD11-related conditions. ClinVar contains an entry for this variant (Variation ID: 849681). Invitae Evidence Modeling of protein sequence and biophysical properties (such as structural, functional, and spatial information, amino acid conservation, physicochemical variation, residue mobility, and thermodynamic stability) indicates that this missense variant is not expected to disrupt ANKRD11 protein function with a negative predictive value of 95%. In summary, the available evidence is currently insufficient to determine the role of this variant in disease. Therefore, it has been classified as a Variant of Uncertain Significance.

Blueprint Genetics
Classification: Likely benign. Last evaluated: 2024-10-04. Review status: criteria provided, single submitter. Criteria: ACMG Guidelines, 2015. Collection method: clinical testing. Allele origin: germline.

New York Genome Center
Classification: Uncertain significance for KBG syndrome. Last evaluated: 2020-06-19. Review status: criteria provided, single submitter. Criteria: NYGC Assertion Criteria 2020. Collection method: clinical testing. Allele origin: inherited. Observed: 1 heterozygote. Study: CSER-NYCKidSeq.

Ambry Genetics
Classification: Likely benign for Inborn genetic diseases. Last evaluated: 2019-03-10. Review status: criteria provided, single submitter. Criteria: Ambry Variant Classification Scheme 2023. Collection method: clinical testing. Allele origin: germline.